The following is an entry in ClinVar:

ClinVar aggregate classification (germline): Uncertain significance (1 of 4 stars; one submission).

Allele frequency attached by ClinVar (database versions not stated): ExAC 0.00003; gnomAD exomes 0.00004; ESP Exome Variant Server 0.00008.
gnomAD v4.1: 57 of 1,612,958 alleles (0.0035%); highest among the groups gnomAD compares: Middle Eastern, 0.033%; no homozygotes.

Submission:

Labcorp Genetics (formerly Invitae), Labcorp
Classification: Uncertain significance. Last evaluated: 2025-02-17. Review status: criteria provided, single submitter. Criteria: Invitae Variant Classification Sherloc (09022015). Collection method: clinical testing. Allele origin: germline.
Comment: This sequence change replaces leucine, which is neutral and non-polar, with valine, which is neutral and non-polar, at codon 1296 of the KANK1 protein (p.Leu1296Val). This variant is present in population databases (rs150176827, gnomAD 0.004%). This variant has not been reported in the literature in individuals affected with KANK1-related conditions. ClinVar contains an entry for this variant (Variation ID: 2190382). An algorithm developed to predict the effect of missense changes on protein structure and function (PolyPhen-2) suggests that this variant is likely to be disruptive. In summary, the available evidence is currently insufficient to determine the role of this variant in disease. Therefore, it has been classified as a Variant of Uncertain Significance.

NM_015158.5(KANK1):c.3886C>G (p.Leu1296Val)

Gene: KANK1 (KN motif and ankyrin repeat domains 1; plus strand). Cytogenetic location: 9p24.3.
Variant type: single nucleotide variant.
Coding change: c.3886C>G on transcript NM_015158.5 (MANE Select); coding-DNA position 3886, C replaced by G.
Protein change: p.Leu1296Val; replaces leucine 1296 with valine.
Molecular consequence: missense variant. On other transcripts: non-coding transcript variant (1).
Genome position (GRCh38, 1-based): chr9:742,394, C>G. VCF-style: chr9-742394-C-G. GRCh37 (hg19) VCF-style: chr9-742394-C-G.
Other names: c.3886C>G, p.Leu1296Val (NM_001256876.3, NM_001256877.3, NM_001354334.2); c.3646C>G, p.Leu1216Val (NM_001354331.2); c.3832C>G, p.Leu1278Val (NM_001354332.2); c.3412C>G, p.Leu1138Val (NM_001354333.2, NM_001354335.2, NM_001354337.2 and 2 more transcripts); c.3118C>G, p.Leu1040Val (NM_001354336.2); c.3358C>G, p.Leu1120Val (NM_001354338.2, NM_001354340.2, NM_001354344.2); c.3172C>G, p.Leu1058Val (NM_001354339.2, NM_001354342.2, NM_001354343.2); short protein forms L1120V, L1278V, L1058V, L1138V, L1296V, L1040V, L1216V.
Identifiers: ClinVar variation 2190382 (VCV002190382.4), dbSNP rs150176827, ClinGen allele CA4961213.